The following is an entry in ClinVar:

NM_001001557.4(GDF6):c.*2195C>T

Gene: GDF6 (growth differentiation factor 6; minus strand). Cytogenetic location: 8q22.1.
Variant type: single nucleotide variant.
Coding change: c.*2195C>T on transcript NM_001001557.4 (MANE Select); 2195 bases downstream of the stop codon, C replaced by T.
Molecular consequence: 3 prime UTR variant.
Genome position (GRCh38, 1-based): chr8:96,142,368, G>A on the plus strand (C>T on the coding strand, the complement: GDF6 is on the minus strand). VCF-style: chr8-96142368-G-A. GRCh37 (hg19) VCF-style: chr8-97154596-G-A.
Identifiers: ClinVar variation 364007 (VCV000364007.6), dbSNP rs114060293, ClinGen allele CA10631713.

ClinVar aggregate classification (germline): Benign. Review status: criteria provided, multiple submitters, no conflicts (2 of 4 stars). 2 submissions from 2 submitters: Benign (2). Last evaluated 2018-01-12.

Conditions:
Klippel-Feil syndrome 1, autosomal dominant (KFS1). Also called: CERVICAL VERTEBRAL FUSION, AUTOSOMAL DOMINANT. Identifiers: Orphanet 2345, MedGen C1861689, MONDO:0007306, OMIM 118100.

Allele frequency attached by ClinVar (database versions not stated): gnomAD 0.01004; TOPMed 0.01333; 1000 Genomes Project 0.01358; 1000 Genomes Project 30x 0.01468.

Submissions (2):

Illumina Laboratory Services, Illumina
Classification: Benign for Klippel-Feil syndrome 1, autosomal dominant. Last evaluated: 2018-01-12. Review status: criteria provided, single submitter. Criteria: ICSL Variant Classification Criteria 13 December 2019. Collection method: clinical testing. Allele origin: germline.
Comment: This variant was observed in the ICSL laboratory as part of a predisposition screen in an ostensibly healthy population. It had not been previously curated by ICSL or reported in the Human Gene Mutation Database (HGMD: prior to June 1st, 2018), and was therefore a candidate for classification through an automated scoring system. Utilizing variant allele frequency, disease prevalence and penetrance estimates, and inheritance mode, an automated score was calculated to assess if this variant is too frequent to cause the disease. Based on the score and internal cut-off values, a variant classified as benign is not then subjected to further curation. The score for this variant resulted in a classification of benign for this disease.

Breakthrough Genomics
Classification: Benign. Review status: criteria provided, single submitter. Criteria: ACMG Guidelines, 2015. Collection method: not provided. Allele origin: germline. Inheritance: Autosomal recessive inheritance. Affected: yes.